The following is an entry in ClinVar:

ClinVar aggregate classification (germline): Uncertain significance (1 of 4 stars; one submission).

Allele frequency attached by ClinVar (database versions not stated): ExAC 0.00001.

Submission:

Labcorp Genetics (formerly Invitae), Labcorp
Classification: Uncertain significance. Last evaluated: 2023-08-10. Review status: criteria provided, single submitter. Criteria: Invitae Variant Classification Sherloc (09022015). Collection method: clinical testing. Allele origin: germline.
Comment: This sequence change replaces alanine, which is neutral and non-polar, with valine, which is neutral and non-polar, at codon 273 of the POLE2 protein (p.Ala273Val). This variant is not present in population databases (gnomAD no frequency). This variant has not been reported in the literature in individuals affected with POLE2-related conditions. ClinVar contains an entry for this variant (Variation ID: 1436340). Algorithms developed to predict the effect of missense changes on protein structure and function output the following: SIFT: "Not Available"; PolyPhen-2: "Benign"; Align-GVGD: "Not Available". The valine amino acid residue is found in multiple mammalian species, which suggests that this missense change does not adversely affect protein function. In summary, the available evidence is currently insufficient to determine the role of this variant in disease. Therefore, it has been classified as a Variant of Uncertain Significance.

NM_002692.4(POLE2):c.818C>T (p.Ala273Val)

Gene: POLE2 (DNA polymerase epsilon 2, accessory subunit; minus strand). Cytogenetic location: 14q21.3.
Variant type: single nucleotide variant.
Coding change: c.818C>T on transcript NM_002692.4 (MANE Select); coding-DNA position 818, C replaced by T.
Protein change: p.Ala273Val; replaces alanine 273 with valine.
Molecular consequence: missense variant.
Genome position (GRCh38, 1-based): chr14:49,655,781, G>A on the plus strand (C>T on the coding strand, the complement: POLE2 is on the minus strand). VCF-style: chr14-49655781-G-A. GRCh37 (hg19) VCF-style: chr14-50122499-G-A.
Other names: c.740C>T, p.Ala247Val (NM_001197330.2); c.818C>T, p.Ala273Val (NM_001197331.3, NM_001348384.2); c.587C>T, p.Ala196Val (NM_001348385.2); short protein forms A196V, A247V, A273V.
Identifiers: ClinVar variation 1436340 (VCV001436340.8), dbSNP rs746625112, ClinGen allele CA7173467.